The following is an entry in ClinVar:

ClinVar aggregate classification (germline): Uncertain significance. Review status: criteria provided, multiple submitters, no conflicts (2 of 4 stars). 2 submissions from 2 submitters: Uncertain significance (2). Last evaluated 2025-01-19.

Conditions:
Inborn genetic diseases. Identifiers: MedGen C0950123, MeSH D030342.
Spastic paraplegia. Identifiers: MedGen C0037772, HP:0001258.

Allele frequency attached by ClinVar (database versions not stated): gnomAD exomes below 0.00001 and 0.00001; ExAC 0.00001; gnomAD 0.00001; TOPMed 0.00002; ESP Exome Variant Server 0.00008.
gnomAD v4.1: 13 of 1,614,076 alleles (0.00081%); highest among the groups gnomAD compares: Non-Finnish European, 0.0011%; no homozygotes.

Submissions (2):

Ambry Genetics
Classification: Uncertain significance for Inborn genetic diseases. Last evaluated: 2025-01-19. Review status: criteria provided, single submitter. Criteria: Ambry Variant Classification Scheme 2023. Collection method: clinical testing. Allele origin: germline.

Labcorp Genetics (formerly Invitae), Labcorp
Classification: Uncertain significance for Spastic paraplegia. Last evaluated: 2022-06-15. Review status: criteria provided, single submitter. Criteria: Invitae Variant Classification Sherloc (09022015). Collection method: clinical testing. Allele origin: germline.
Comment: In summary, the available evidence is currently insufficient to determine the role of this variant in disease. Therefore, it has been classified as a Variant of Uncertain Significance. Algorithms developed to predict the effect of missense changes on protein structure and function (SIFT, PolyPhen-2, Align-GVGD) all suggest that this variant is likely to be disruptive. ClinVar contains an entry for this variant (Variation ID: 844306). This variant has not been reported in the literature in individuals affected with ERLIN2-related conditions. This variant is present in population databases (rs371713211, gnomAD 0.0009%). This sequence change replaces valine, which is neutral and non-polar, with alanine, which is neutral and non-polar, at codon 130 of the ERLIN2 protein (p.Val130Ala).

NM_007175.8(ERLIN2):c.389T>C (p.Val130Ala)

Gene: ERLIN2 (ER lipid raft associated 2; plus strand). Cytogenetic location: 8p11.23.
Variant type: single nucleotide variant.
Coding change: c.389T>C on transcript NM_007175.8 (MANE Select); coding-DNA position 389, T replaced by C.
Protein change: p.Val130Ala; replaces valine 130 with alanine.
Molecular consequence: missense variant.
Genome position (GRCh38, 1-based): chr8:37,744,661, T>C. VCF-style: chr8-37744661-T-C. GRCh37 (hg19) VCF-style: chr8-37602179-T-C.
Other names: c.389T>C, p.Val130Ala (NM_001003790.4, NM_001003791.3, NM_001362878.2 and 1 more transcripts); short protein forms V130A.
Identifiers: ClinVar variation 844306 (VCV000844306.6), dbSNP rs371713211, ClinGen allele CA4710689.
Genomic context (GRCh38, chr8:37,744,661, plus strand): 5'-ACTATGACAAGGCCCTCATCTTCAACAAGATCCACCACGAACTGAACCAGTTCTGCAGTG[T>C]GCACACGCTTCAAGAGGTCTACATTGAGCTGTTTGGTAAGAAAGTCTCTCCTGAGCATGC-3'
Protein context (NP_009106.1, residues 120-140): IHHELNQFCS[Val130Ala]HTLQEVYIEL